The following is an entry in ClinVar:

NM_000455.5(STK11):c.444C>G (p.Phe148Leu)

Gene: STK11 (serine/threonine kinase 11; plus strand). Cytogenetic location: 19p13.3.
Variant type: single nucleotide variant.
Coding change: c.444C>G on transcript NM_000455.5 (MANE Select); coding-DNA position 444, C replaced by G.
Protein change: p.Phe148Leu; replaces phenylalanine 148 with leucine.
Molecular consequence: missense variant.
Genome position (GRCh38, 1-based): chr19:1,219,393, C>G. VCF-style: chr19-1219393-C-G. GRCh37 (hg19) VCF-style: chr19-1219392-C-G.
Other names: c.444C>G, p.Phe148Leu (NM_001407255.1); short protein forms F148L.
Identifiers: ClinVar variation 1717213 (VCV001717213.5), dbSNP rs1283208395, ClinGen allele CA402948341.
Genomic context (GRCh38, chr19:1,219,393, plus strand): 5'-GATGGAGTACTGCGTGTGTGGCATGCAGGAAATGCTGGACAGCGTGCCGGAGAAGCGTTT[C>G]CCAGTGTGCCAGGCCCACGGGTGCGTGCGCGGGGCAGGGGCCAGGGTGGGGCGGGGGCCG-3'
Protein context (NP_000446.1, residues 138-158): EMLDSVPEKR[Phe148Leu]PVCQAHGYFC

ClinVar aggregate classification (germline): Uncertain significance (1 of 4 stars; one submission).

Conditions:
Peutz-Jeghers syndrome (PJS). Also called: Peutz-Jeghers polyposis; Periorificial lentiginosis syndrome; POLYPOSIS, HAMARTOMATOUS INTESTINAL; POLYPS-AND-SPOTS SYNDROME. Identifiers: Orphanet 2869, MedGen C0031269, MeSH D010580, MONDO:0008280, OMIM 175200.

Submission:

Labcorp Genetics (formerly Invitae), Labcorp
Classification: Uncertain significance for Peutz-Jeghers syndrome. Last evaluated: 2022-09-01. Review status: criteria provided, single submitter. Criteria: Invitae Variant Classification Sherloc (09022015). Collection method: clinical testing. Allele origin: germline.
Comment: This variant is not present in population databases (gnomAD no frequency). In summary, the available evidence is currently insufficient to determine the role of this variant in disease. Therefore, it has been classified as a Variant of Uncertain Significance. Advanced modeling of protein sequence and biophysical properties (such as structural, functional, and spatial information, amino acid conservation, physicochemical variation, residue mobility, and thermodynamic stability) performed at Invitae indicates that this missense variant is not expected to disrupt STK11 protein function. This variant has not been reported in the literature in individuals affected with STK11-related conditions. This sequence change replaces phenylalanine, which is neutral and non-polar, with leucine, which is neutral and non-polar, at codon 148 of the STK11 protein (p.Phe148Leu).